The following is an entry in ClinVar:

NM_000548.5(TSC2):c.600-180C>A

Gene: TSC2 (TSC complex subunit 2; plus strand). Cytogenetic location: 16p13.3.
Variant type: single nucleotide variant.
Coding change: c.600-180C>A on transcript NM_000548.5 (MANE Select); 180 bases into the intron before coding-DNA position 600, C replaced by A.
Molecular consequence: intron variant.
Genome position (GRCh38, 1-based): chr16:2,056,016, C>A. VCF-style: chr16-2056016-C-A. GRCh37 (hg19) VCF-style: chr16-2106017-C-A.
Other names: c.600-180C>A (NM_001370405.1, NM_001363528.2, NM_001370404.1 and 3 more transcripts); c.489-180C>A (NM_001318827.2); c.-1-180C>A (NM_001318831.2); c.453-180C>A (NM_001318829.2); c.633-180C>A (NM_001318832.2).
Identifiers: ClinVar variation 1694774 (VCV001694774.31), dbSNP rs537423263, ClinGen allele CA276772461.
Genomic context (GRCh38, chr16:2,056,016, plus strand): 5'-GTTATCTTTTTGTTGTTTGTTTAGAATGTTGCATGAGCTCTGTCTCACTCATGCTGAACA[C>A]CCAGCACCGAGAGCAGTGGCTGGCGCACAGCAGGCACCTGAGTGCTTGTTGGGTGGGTGG-3'

ClinVar aggregate classification (germline): Likely benign (1 of 4 stars; one submission).

Allele frequency attached by ClinVar (database versions not stated): gnomAD 0.00089 and 0.00093; TOPMed 0.00096; gnomAD exomes 0.00120.
gnomAD v4.1: 857 of 715,900 alleles (0.12%); highest among the groups gnomAD compares: Middle Eastern, 0.29%; 10 homozygotes.

Submission:

CeGaT Center for Human Genetics Tuebingen
Classification: Likely benign. Last evaluated: 2023-05-01. Review status: criteria provided, single submitter. Criteria: CeGaT Center For Human Genetics Tuebingen Variant Classification Criteria Version 2. Collection method: clinical testing. Allele origin: germline. Affected: yes. Observed: 12 variant alleles.
Comment: TSC2: BS1